The following is an entry in ClinVar:

ClinVar aggregate classification (germline): Uncertain significance (0 of 4 stars; one submission).

Conditions:
IFT172-related disorder. Also called: IFT172-related disorders; IFT172-related condition.

gnomAD v4.1: 5 of 1,613,198 alleles (0.00031%); highest among the groups gnomAD compares: Middle Eastern, 0.016%; no homozygotes.

Submission:

PreventionGenetics, part of Exact Sciences
Classification: Uncertain significance for IFT172-related condition. Last evaluated: 2023-11-01. Review status: no assertion criteria provided. Collection method: clinical testing. Allele origin: germline.
Comment: The IFT172 c.4146G>C variant is predicted to result in the amino acid substitution p.Lys1382Asn. To our knowledge, this variant has not been reported in the literature. This variant is reported in 0.0057% of alleles in individuals of Latino descent in gnomAD. At this time, the clinical significance of this variant is uncertain due to the absence of conclusive functional and genetic evidence.

NM_015662.3(IFT172):c.4146G>C (p.Lys1382Asn)

Gene: IFT172 (intraflagellar transport 172; minus strand). Cytogenetic location: 2p23.3.
Variant type: single nucleotide variant.
Coding change: c.4146G>C on transcript NM_015662.3 (MANE Select); coding-DNA position 4146, G replaced by C.
Protein change: p.Lys1382Asn; replaces lysine 1382 with asparagine.
Molecular consequence: missense variant.
Genome position (GRCh38, 1-based): chr2:27,449,705, C>G on the plus strand (G>C on the coding strand, the complement: IFT172 is on the minus strand). VCF-style: chr2-27449705-C-G. GRCh37 (hg19) VCF-style: chr2-27672572-C-G.
Other names: c.4080G>C, p.Lys1360Asn (NM_001410739.1); short protein forms K1360N, K1382N.
Identifiers: ClinVar variation 3357278 (VCV003357278.1).